The following is an entry in ClinVar:

NM_004415.4(DSP):c.5479G>A (p.Ala1827Thr)

Gene: DSP (desmoplakin; plus strand). Cytogenetic location: 6p24.3.
Variant type: single nucleotide variant.
Coding change: c.5479G>A on transcript NM_004415.4 (MANE Select); coding-DNA position 5479, G replaced by A.
Protein change: p.Ala1827Thr; replaces alanine 1827 with threonine.
Molecular consequence: missense variant.
Genome position (GRCh38, 1-based): chr6:7,582,741, G>A. VCF-style: chr6-7582741-G-A. GRCh37 (hg19) VCF-style: chr6-7582974-G-A.
Other names: c.3682G>A, p.Ala1228Thr (NM_001008844.3); c.4150G>A, p.Ala1384Thr (NM_001319034.2); short protein forms A1384T, A1228T, A1827T.
Identifiers: ClinVar variation 925821 (VCV000925821.9), dbSNP rs747643627, ClinGen allele CA045036.
Genomic context (GRCh38, chr6:7,582,741, plus strand): 5'-CAGGTGGTACAGGAAAGAGAGAGCCTTCTGGTGAAAATCAAAGTCCTGGAGCAAGACAAG[G>A]CAAGGCTGCAGAGGCTGGAGGATGAGCTGAATCGTGCAAAATCAACTCTAGAGGCAGAAA-3'
Protein context (NP_004406.2, residues 1817-1837): VKIKVLEQDK[Ala1827Thr]RLQRLEDELN

ClinVar aggregate classification (germline): Uncertain significance. Review status: criteria provided, multiple submitters, no conflicts (2 of 4 stars). 4 submissions from 4 submitters: Uncertain significance (4). Last evaluated 2025-09-30.

Conditions:
Arrhythmogenic cardiomyopathy with wooly hair and keratoderma. Also called: PALMOPLANTAR KERATODERMA WITH LEFT VENTRICULAR CARDIOMYOPATHY AND WOOLLY HAIR; Carvajal syndrome; Dilated cardiomyopathy with woolly hair and keratoderma; Arrhythmogenic cardiomyopathy with woolly hair and keratoderma. Identifiers: Orphanet 65282, MedGen C1854063, MONDO:0011581, OMIM 605676.
Cardiomyopathy (CMYO). Also called: Cardiomyopathies. Identifiers: Orphanet 167848, MedGen C0878544, MONDO:0004994, HP:0001638. Inheritance: Various modes of inheritance.
Arrhythmogenic right ventricular dysplasia 8 (ARVD8). Also called: Arrhythmogenic Right Ventricular Dysplasia/Cardiomyopathy 8; ARRHYTHMOGENIC RIGHT VENTRICULAR DYSPLASIA, FAMILIAL, 8; ARRHYTHMOGENIC RIGHT VENTRICULAR CARDIOMYOPATHY 8. Identifiers: MedGen C1843896, MONDO:0011831, OMIM 607450.

Allele frequency attached by ClinVar (database versions not stated): gnomAD exomes below 0.00001; TOPMed below 0.00001; ExAC 0.00001.
gnomAD v4.1: 2 of 1,613,784 alleles (0.00012%); highest among the groups gnomAD compares: Non-Finnish European, 0.00017%; no homozygotes.

Submissions (4):

Labcorp Genetics (formerly Invitae), Labcorp
Classification: Uncertain significance for Arrhythmogenic cardiomyopathy with wooly hair and keratoderma; Arrhythmogenic right ventricular dysplasia 8. Last evaluated: 2025-09-30. Review status: criteria provided, single submitter. Criteria: Invitae Variant Classification Sherloc (09022015). Collection method: clinical testing. Allele origin: germline.
Comment: This sequence change replaces alanine, which is neutral and non-polar, with threonine, which is neutral and polar, at codon 1827 of the DSP protein (p.Ala1827Thr). This variant is present in population databases (rs747643627, gnomAD 0.0009%). This variant has not been reported in the literature in individuals affected with DSP-related conditions. ClinVar contains an entry for this variant (Variation ID: 925821). An algorithm developed to predict the effect of missense changes on protein structure and function outputs the following: PolyPhen-2: "Benign". The threonine amino acid residue is found in multiple mammalian species, which suggests that this missense change does not adversely affect protein function. In summary, the available evidence is currently insufficient to determine the role of this variant in disease. Therefore, it has been classified as a Variant of Uncertain Significance.

All of Us Research Program, National Institutes of Health
Classification: Uncertain significance for Arrhythmogenic cardiomyopathy with wooly hair and keratoderma. Last evaluated: 2023-12-18. Review status: criteria provided, single submitter. Criteria: ACMG Guidelines, 2015. Collection method: clinical testing. Allele origin: germline. Inheritance: Autosomal dominant inheritance. Observed: 1 variant allele, 1 heterozygote.
Comment: This missense variant replaces alanine with threonine at codon 1827 of the DSP protein. Computational prediction suggests that this variant may not impact protein structure and function (internally defined REVEL score threshold <= 0.5, PMID: 27666373). To our knowledge, functional studies have not been reported for this variant. This variant has not been reported in individuals affected with cardiovascular disorders in the literature. This variant has been identified in 1/251300 chromosomes in the general population by the Genome Aggregation Database (gnomAD). The available evidence is insufficient to determine the role of this variant in disease conclusively. Therefore, this variant is classified as a Variant of Uncertain Significance.

This study involves interpretation of variants in research participants for the purpose of population health screening. Participant phenotype was not available at the time of variant classification. Additional details can be found in publication PMID: 35346344, PMCID: PMC8962531

Color Diagnostics, LLC DBA Color Health
Classification: Uncertain significance for Cardiomyopathy. Last evaluated: 2023-12-05. Review status: criteria provided, single submitter. Criteria: ACMG Guidelines, 2015. Collection method: clinical testing. Allele origin: germline.
Comment: This missense variant replaces alanine with threonine at codon 1827 of the DSP protein. Computational prediction tools and conservation analyses suggest that this variant may not impact the protein function. Computational splicing tools suggest that this variant may not impact RNA splicing. To our knowledge, functional assays have not been performed for this variant nor has this variant been reported in individuals affected with cardiovascular disorders in the literature. This variant has been identified in 1/251300 chromosomes in the general population by the Genome Aggregation Database (gnomAD). Available evidence is insufficient to determine the role of this variant in disease conclusively. Therefore, this variant is classified as a Variant of Uncertain Significance.

GeneDx
Classification: Uncertain significance. Last evaluated: 2020-01-06. Review status: criteria provided, single submitter. Criteria: GeneDx Variant Classification Process June 2021. Collection method: clinical testing. Allele origin: germline. Affected: yes.
Comment: Has not been previously published as pathogenic or benign to our knowledge; Not observed at a significant frequency in large population cohorts (Lek et al., 2016); In silico analysis, which includes protein predictors and evolutionary conservation, supports that this variant does not alter protein structure/function